The following is an entry in ClinVar:

ClinVar aggregate classification (germline): Benign. Review status: criteria provided, multiple submitters, no conflicts (2 of 4 stars). 2 submissions from 2 submitters: Benign (2). Last evaluated 2016-03-29.

Allele frequency attached by ClinVar (database versions not stated): 1000 Genomes Project 0.01378; 1000 Genomes Project 30x 0.01421; TOPMed 0.03111; gnomAD exomes 0.03628 and 0.04908; gnomAD 0.03663 and 0.03777; ESP Exome Variant Server 0.03665; ExAC 0.04200.
gnomAD v4.1: 76,375 of 1,600,154 alleles (4.8%); highest among the groups gnomAD compares: Non-Finnish European, 5.5%; 2,088 homozygotes.

Submissions (2):

Laboratory for Molecular Medicine, Mass General Brigham Personalized Medicine
Classification: Benign. Last evaluated: 2016-03-29. Review status: criteria provided, single submitter. Criteria: LMM Criteria. Collection method: clinical testing. Allele origin: germline.
Comment: Variant identified in a genome or exome case(s) and assessed due to predicted null impact of the variant or pathogenic assertions in the literature or databases. Disclaimer: This variant has not undergone full assessment. The following are preliminary notes: Frequency

Breakthrough Genomics
Classification: Benign. Review status: criteria provided, single submitter. Criteria: ACMG Guidelines, 2015. Collection method: not provided. Allele origin: germline. Inheritance: Unknown mechanism. Affected: yes.

NM_017820.5(EXD3):c.1598C>T (p.Thr533Met)

Gene: EXD3 (exonuclease 3'-5' domain containing 3; minus strand). Cytogenetic location: 9q34.3.
Variant type: single nucleotide variant.
Coding change: c.1598C>T on transcript NM_017820.5 (MANE Select); coding-DNA position 1598, C replaced by T.
Protein change: p.Thr533Met; replaces threonine 533 with methionine.
Molecular consequence: missense variant.
Genome position (GRCh38, 1-based): chr9:137,349,428, G>A on the plus strand (C>T on the coding strand, the complement: EXD3 is on the minus strand). VCF-style: chr9-137349428-G-A. GRCh37 (hg19) VCF-style: chr9-140243880-G-A.
Other names: short protein forms T533M.
Identifiers: ClinVar variation 402840 (VCV000402840.5), dbSNP rs35097575, ClinGen allele CA5367969.